The following is an entry in ClinVar:

ClinVar aggregate classification (germline): Uncertain significance (1 of 4 stars; one submission).

Conditions:
Aortic aneurysm, familial thoracic 7 (AAT7). Also called: AORTIC DISSECTION, FAMILIAL, WITH OR WITHOUT AORTIC ANEURYSM. Identifiers: MedGen C3151077, MONDO:0013418, OMIM 613780.

Allele frequency attached by ClinVar (database versions not stated): gnomAD 0.00002.
gnomAD v4.1: 5 of 1,613,860 alleles (0.00031%); highest among the groups gnomAD compares: Admixed American, 0.005%; no homozygotes.

Submission:

Labcorp Genetics (formerly Invitae), Labcorp
Classification: Uncertain significance for Aortic aneurysm, familial thoracic 7. Last evaluated: 2025-09-16. Review status: criteria provided, single submitter. Criteria: Invitae Variant Classification Sherloc (09022015). Collection method: clinical testing. Allele origin: germline.
Comment: This sequence change replaces proline, which is neutral and non-polar, with serine, which is neutral and polar, at codon 948 of the MYLK protein (p.Pro948Ser). This variant is not present in population databases (gnomAD no frequency). This variant has not been reported in the literature in individuals affected with MYLK-related conditions. ClinVar contains an entry for this variant (Variation ID: 2146003). Invitae Evidence Modeling of protein sequence and biophysical properties (such as structural, functional, and spatial information, amino acid conservation, physicochemical variation, residue mobility, and thermodynamic stability) indicates that this missense variant is not expected to disrupt MYLK protein function with a negative predictive value of 80%. In summary, the available evidence is currently insufficient to determine the role of this variant in disease. Therefore, it has been classified as a Variant of Uncertain Significance.

NM_053025.4(MYLK):c.2842C>T (p.Pro948Ser)

Gene: MYLK (myosin light chain kinase; minus strand). Cytogenetic location: 3q21.1.
Variant type: single nucleotide variant.
Coding change: c.2842C>T on transcript NM_053025.4 (MANE Select); coding-DNA position 2842, C replaced by T.
Protein change: p.Pro948Ser; replaces proline 948 with serine.
Molecular consequence: missense variant.
Genome position (GRCh38, 1-based): chr3:123,700,626, G>A on the plus strand (C>T on the coding strand, the complement: MYLK is on the minus strand). VCF-style: chr3-123700626-G-A. GRCh37 (hg19) VCF-style: chr3-123419473-G-A.
Other names: c.2314C>T, p.Pro772Ser (NM_001321309.2); c.2635C>T, p.Pro879Ser (NM_053026.4, NM_053028.4); c.2842C>T, p.Pro948Ser (NM_053027.4); short protein forms P772S, P948S, P879S.
Identifiers: ClinVar variation 2146003 (VCV002146003.4), dbSNP rs1400248811, ClinGen allele CA354231106.